The following is an entry in ClinVar:

ClinVar aggregate classification (germline): Uncertain significance (1 of 4 stars; one submission).

Conditions:
Hereditary spastic paraplegia 3A (SPG3A). Also called: Spastic paraplegia 3A, autosomal dominant; SPASTIC PARAPLEGIA 3, AUTOSOMAL DOMINANT; FAMILIAL SPASTIC PARAPLEGIA, AUTOSOMAL DOMINANT, 1; SPG3; STRUMPELL DISEASE; Spastic Paraplegia 3A. Identifiers: Orphanet 100984, MedGen C2931355, MONDO:0008437, OMIM 182600.
Neuropathy, hereditary sensory, type 1D. Identifiers: Orphanet 36386, MedGen C3150972, MONDO:0013381, OMIM 613708.

Submission:

Juno Genomics, Hangzhou Juno Genomics, Inc
Classification: Uncertain significance for Neuropathy, hereditary sensory, type 1D; Hereditary spastic paraplegia 3A. Review status: criteria provided, single submitter. Criteria: ACMG Guidelines, 2015. Collection method: clinical testing. Allele origin: germline. Affected: yes.
Comment: Absent from controls (or at extremely low frequency if recessive) in Genome Aggregation Database, Exome Sequencing Project, 1000 Genomes Project, or Exome Aggregation Consortium.;Multiple lines of computational evidence support a deleterious effect on the gene or gene product (conservation, evolutionary, splicing impact, etc).;The prevalence of the variant in affected individuals is significantly increased compared to the prevalence in controls.;Patient's phenotype or family history is highly specific for a disease with a single genetic etiology.

NM_015915.5(ATL1):c.1006T>C (p.Tyr336His)

Gene: ATL1 (atlastin GTPase 1; plus strand). Cytogenetic location: 14q22.1.
Variant type: single nucleotide variant.
Coding change: c.1006T>C on transcript NM_015915.5 (MANE Select); coding-DNA position 1006, T replaced by C.
Protein change: p.Tyr336His; replaces tyrosine 336 with histidine.
Molecular consequence: missense variant.
Genome position (GRCh38, 1-based): chr14:50,621,858, T>C. VCF-style: chr14-50621858-T-C. GRCh37 (hg19) VCF-style: chr14-51088576-T-C.
Other names: c.1006T>C, p.Tyr336His (NM_001127713.1, NM_181598.4); short protein forms Y336H.
Identifiers: ClinVar variation 3383045 (VCV003383045.2).